The following is an entry in ClinVar:

ClinVar aggregate classification (germline): Likely benign. Review status: criteria provided, multiple submitters, no conflicts (2 of 4 stars). 3 submissions from 3 submitters: Likely benign (3). Last evaluated 2025-07-30.

Conditions:
Hereditary cancer-predisposing syndrome. Also called: Neoplastic Syndromes, Hereditary; Tumor predisposition; Hereditary Cancer Syndrome; Hereditary neoplastic syndrome. Identifiers: Orphanet 140162, MedGen C0027672, MeSH D009386, MONDO:0015356.

gnomAD v4.1: 5 of 1,613,806 alleles (0.00031%); highest among the groups gnomAD compares: Non-Finnish European, 0.00042%; no homozygotes.

Submissions (3):

Labcorp Genetics (formerly Invitae), Labcorp
Classification: Likely benign. Last evaluated: 2025-07-30. Review status: criteria provided, single submitter. Criteria: Invitae Variant Classification Sherloc (09022015). Collection method: clinical testing. Allele origin: germline.

Ambry Genetics
Classification: Likely benign for Hereditary cancer-predisposing syndrome. Last evaluated: 2022-04-19. Review status: criteria provided, single submitter. Criteria: Ambry Variant Classification Scheme 2023. Collection method: clinical testing. Allele origin: germline.

GeneDx
Classification: Likely benign. Last evaluated: 2017-07-06. Review status: criteria provided, single submitter. Criteria: GeneDx Variant Classification (06012015). Collection method: clinical testing. Allele origin: germline. Affected: yes.
Comment: This variant is considered likely benign or benign based on one or more of the following criteria: it is a conservative change, it occurs at a poorly conserved position in the protein, it is predicted to be benign by multiple in silico algorithms, and/or has population frequency not consistent with disease.

NM_006231.4(POLE):c.6675C>G (p.Arg2225=)

Gene: POLE (DNA polymerase epsilon, catalytic subunit; minus strand). Cytogenetic location: 12q24.33.
Variant type: single nucleotide variant.
Coding change: c.6675C>G on transcript NM_006231.4 (MANE Select); coding-DNA position 6675, C replaced by G.
Protein change: p.Arg2225=; no amino-acid change (arginine 2225 retained).
Molecular consequence: synonymous variant.
Genome position (GRCh38, 1-based): chr12:132,624,977, G>C on the plus strand (C>G on the coding strand, the complement: POLE is on the minus strand). VCF-style: chr12-132624977-G-C. GRCh37 (hg19) VCF-style: chr12-133201563-G-C.
Identifiers: ClinVar variation 473808 (VCV000473808.13), dbSNP rs149973644, ClinGen allele CA482848471.
Genomic context (GRCh38, chr12:132,624,977, plus strand): 5'-GGTGAGGGCGAAGTCTCCCGCGCAGCTGCAGTACACAGGCATGCTGGTCTCCTTCACCCC[G>C]CGGCACTTCAGGCAGACCTGAAAGGGAGCAGCCCCGATGGGCGCCAGCCCTCCCGCGCTG-3'
Protein context (NP_006222.2, residues 2215-2235): TLQDLVCLKC[Arg2225=]GVKETSMPVY